The following is an entry in ClinVar:

NM_022552.5(DNMT3A):c.640-3766G>C

Gene: DNMT3A (DNA methyltransferase 3 alpha; minus strand). Cytogenetic location: 2p23.3.
Variant type: single nucleotide variant.
Coding change: c.640-3766G>C on transcript NM_022552.5 (MANE Select); 3766 bases into the intron before coding-DNA position 640, G replaced by C.
Molecular consequence: intron variant. On other transcripts: missense variant (1).
Genome position (GRCh38, 1-based): chr2:25,252,018, C>G on the plus strand (G>C on the coding strand, the complement: DNMT3A is on the minus strand). VCF-style: chr2-25252018-C-G. GRCh37 (hg19) VCF-style: chr2-25474887-C-G.
Other names: c.77G>C, p.Arg26Pro (NM_001320893.1); c.640-3766G>C (NM_175629.2); c.4+176G>C (NM_153759.3); c.-31+176G>C (NM_001375819.1); short protein forms R26P.
Identifiers: ClinVar variation 3349416 (VCV003349416.1).

ClinVar aggregate classification (germline): Uncertain significance (0 of 4 stars; one submission).

Conditions:
DNMT3A-related disorder. Also called: DNMT3A-related condition; DNMT3A-related disorders.

Submission:

PreventionGenetics, part of Exact Sciences
Classification: Uncertain significance for DNMT3A-related condition. Last evaluated: 2023-11-15. Review status: no assertion criteria provided. Collection method: clinical testing. Allele origin: germline.
Comment: The DNMT3A c.77G>C variant is predicted to result in the amino acid substitution p.Arg26Pro. To our knowledge, this variant has not been reported in the literature or in a large population database, indicating this variant is rare. At this time, the clinical significance of this variant is uncertain due to the absence of conclusive functional and genetic evidence.